The following is an entry in ClinVar:

ClinVar aggregate classification (germline): Uncertain significance. Review status: criteria provided, multiple submitters, no conflicts (2 of 4 stars). 2 submissions from 2 submitters: Uncertain significance (2). Last evaluated 2025-06-24.

Conditions:
Donnai-Barrow syndrome. Also called: DBS/FOAR SYNDROME; FACIOOCULOACOUSTICORENAL SYNDROME. Identifiers: Orphanet 2143, MedGen C1857277, MONDO:0009104, OMIM 222448.

Allele frequency attached by ClinVar (database versions not stated): gnomAD exomes below 0.00001 and 0.00001; ExAC 0.00002; gnomAD 0.00002; TOPMed 0.00003; ESP Exome Variant Server 0.00008.

Submissions (2):

Labcorp Genetics (formerly Invitae), Labcorp
Classification: Uncertain significance. Last evaluated: 2025-06-24. Review status: criteria provided, single submitter. Criteria: Invitae Variant Classification Sherloc (09022015). Collection method: clinical testing. Allele origin: germline.
Comment: This sequence change replaces threonine, which is neutral and polar, with alanine, which is neutral and non-polar, at codon 3806 of the LRP2 protein (p.Thr3806Ala). This variant is present in population databases (rs373490312, gnomAD 0.02%). This variant has not been reported in the literature in individuals affected with LRP2-related conditions. ClinVar contains an entry for this variant (Variation ID: 1417600). An algorithm developed to predict the effect of missense changes on protein structure and function outputs the following: PolyPhen-2: "Benign". The alanine amino acid residue is found in multiple mammalian species, which suggests that this missense change does not adversely affect protein function. In summary, the available evidence is currently insufficient to determine the role of this variant in disease. Therefore, it has been classified as a Variant of Uncertain Significance.

Fulgent Genetics
Classification: Uncertain significance for Donnai-Barrow syndrome. Last evaluated: 2024-04-08. Review status: criteria provided, single submitter. Criteria: ACMG Guidelines, 2015. Collection method: clinical testing. Allele origin: germline.

NM_004525.3(LRP2):c.11416A>G (p.Thr3806Ala)

Gene: LRP2 (LDL receptor related protein 2; minus strand). Cytogenetic location: 2q31.1.
Variant type: single nucleotide variant.
Coding change: c.11416A>G on transcript NM_004525.3 (MANE Select); coding-DNA position 11416, A replaced by G.
Protein change: p.Thr3806Ala; replaces threonine 3806 with alanine.
Molecular consequence: missense variant.
Genome position (GRCh38, 1-based): chr2:169,169,783, T>C on the plus strand (A>G on the coding strand, the complement: LRP2 is on the minus strand). VCF-style: chr2-169169783-T-C. GRCh37 (hg19) VCF-style: chr2-170026293-T-C.
Other names: short protein forms T3806A.
Identifiers: ClinVar variation 1417600 (VCV001417600.6), dbSNP rs373490312, ClinGen allele CA1953079.